The following is an entry in ClinVar:

ClinVar aggregate classification (germline): Likely benign. Review status: criteria provided, multiple submitters, no conflicts (2 of 4 stars). 2 submissions from 2 submitters: Likely benign (2). Last evaluated 2025-07-02.

Conditions:
Alstrom syndrome (ALMS). Identifiers: Orphanet 64, MedGen C0268425, MONDO:0008763, OMIM 203800.

gnomAD v4.1: 10 of 1,000,622 alleles (0.001%); highest among the groups gnomAD compares: African/African-American, 0.0021%; no homozygotes.

Submissions (2):

Labcorp Genetics (formerly Invitae), Labcorp
Classification: Likely benign for Alstrom syndrome. Last evaluated: 2025-07-02. Review status: criteria provided, single submitter. Criteria: Invitae Variant Classification Sherloc (09022015). Collection method: clinical testing. Allele origin: germline.

CeGaT Center for Human Genetics Tuebingen
Classification: Likely benign. Last evaluated: 2024-05-01. Review status: criteria provided, single submitter. Criteria: CeGaT Center For Human Genetics Tuebingen Variant Classification Criteria Version 2. Collection method: clinical testing. Allele origin: germline. Affected: yes. Observed: 1 variant allele.
Comment: ALMS1: BP4, BP7

NM_001378454.1(ALMS1):c.69G>A (p.Glu23=)

Gene: ALMS1 (ALMS1 centrosome and basal body associated protein; plus strand). Cytogenetic location: 2p13.1.
Variant type: single nucleotide variant.
Coding change: c.69G>A on transcript NM_001378454.1 (MANE Select); coding-DNA position 69, G replaced by A.
Protein change: p.Glu23=; no amino-acid change (glutamic acid 23 retained).
Molecular consequence: synonymous variant.
Genome position (GRCh38, 1-based): chr2:73,385,937, G>A. VCF-style: chr2-73385937-G-A. GRCh37 (hg19) VCF-style: chr2-73613065-G-A.
Other names: c.72G>A, p.Glu24= (NM_015120.4).
Identifiers: ClinVar variation 2182638 (VCV002182638.23), dbSNP rs1054040147, ClinGen allele CA50368786.